The following is an entry in ClinVar:

NM_015102.5(NPHP4):c.2914A>C (p.Ser972Arg)

Gene: NPHP4 (nephrocystin 4; minus strand). Cytogenetic location: 1p36.31.
Variant type: single nucleotide variant.
Coding change: c.2914A>C on transcript NM_015102.5 (MANE Select); coding-DNA position 2914, A replaced by C.
Protein change: p.Ser972Arg; replaces serine 972 with arginine.
Molecular consequence: missense variant. On other transcripts: non-coding transcript variant (1).
Genome position (GRCh38, 1-based): chr1:5,875,004, T>G on the plus strand (A>C on the coding strand, the complement: NPHP4 is on the minus strand). VCF-style: chr1-5875004-T-G. GRCh37 (hg19) VCF-style: chr1-5935064-T-G.
Other names: c.1375A>C, p.Ser459Arg (NM_001291593.2); c.1378A>C, p.Ser460Arg (NM_001291594.2); short protein forms S459R, S460R, S972R.
Identifiers: ClinVar variation 3646271 (VCV003646271.2).
Genomic context (GRCh38, chr1:5,875,004, plus strand): 5'-CAAAGAACTCGGCGACCCCCAGCGTGGCGTGGAGCGTGTGCTCCGTGGTGATGGCCAGGC[T>G]CAGCAGGCTGGCGATGCTCTCGGCCTTCGTGCGTTCCCGGTAGGCGGCGATGACCTGTAG-3'
Protein context (NP_055917.1, residues 962-982): TKAESIASLL[Ser972Arg]LAITTEHTLH

ClinVar aggregate classification (germline): Uncertain significance (1 of 4 stars; one submission).

Conditions:
Nephronophthisis. Also called: Juvenile Nephronophthisis. Identifiers: Orphanet 655, MedGen C0687120, MONDO:0019005, HP:0000090.

Submission:

Labcorp Genetics (formerly Invitae), Labcorp
Classification: Uncertain significance for Nephronophthisis. Last evaluated: 2024-11-05. Review status: criteria provided, single submitter. Criteria: Invitae Variant Classification Sherloc (09022015). Collection method: clinical testing. Allele origin: germline.
Comment: This sequence change replaces serine, which is neutral and polar, with arginine, which is basic and polar, at codon 972 of the NPHP4 protein (p.Ser972Arg). This variant is not present in population databases (gnomAD no frequency). This variant has not been reported in the literature in individuals affected with NPHP4-related conditions. Invitae Evidence Modeling of protein sequence and biophysical properties (such as structural, functional, and spatial information, amino acid conservation, physicochemical variation, residue mobility, and thermodynamic stability) indicates that this missense variant is not expected to disrupt NPHP4 protein function with a negative predictive value of 80%. In summary, the available evidence is currently insufficient to determine the role of this variant in disease. Therefore, it has been classified as a Variant of Uncertain Significance.